The following is an entry in ClinVar:

ClinVar aggregate classification (germline): Uncertain significance (1 of 4 stars; one submission).

Allele frequency attached by ClinVar (database versions not stated): gnomAD 0.00001; TOPMed 0.00001.
gnomAD v4.1: 2 of 1,613,334 alleles (0.00012%); highest among the groups gnomAD compares: South Asian, 0.0022%; no homozygotes.

Submission:

Labcorp Genetics (formerly Invitae), Labcorp
Classification: Uncertain significance. Last evaluated: 2022-09-23. Review status: criteria provided, single submitter. Criteria: Invitae Variant Classification Sherloc (09022015). Collection method: clinical testing. Allele origin: germline.
Comment: In summary, the available evidence is currently insufficient to determine the role of this variant in disease. Therefore, it has been classified as a Variant of Uncertain Significance. Advanced modeling of protein sequence and biophysical properties (such as structural, functional, and spatial information, amino acid conservation, physicochemical variation, residue mobility, and thermodynamic stability) performed at Invitae indicates that this missense variant is not expected to disrupt CLUAP1 protein function. This variant has not been reported in the literature in individuals affected with CLUAP1-related conditions. This variant is not present in population databases (gnomAD no frequency). This sequence change replaces alanine, which is neutral and non-polar, with glycine, which is neutral and non-polar, at codon 211 of the CLUAP1 protein (p.Ala211Gly).

NM_015041.3(CLUAP1):c.632C>G (p.Ala211Gly)

Gene: CLUAP1 (clusterin associated protein 1; plus strand). Cytogenetic location: 16p13.3.
Variant type: single nucleotide variant.
Coding change: c.632C>G on transcript NM_015041.3 (MANE Select); coding-DNA position 632, C replaced by G.
Protein change: p.Ala211Gly; replaces alanine 211 with glycine.
Molecular consequence: missense variant.
Genome position (GRCh38, 1-based): chr16:3,519,955, C>G. VCF-style: chr16-3519955-C-G. GRCh37 (hg19) VCF-style: chr16-3569955-C-G.
Other names: c.632C>G, p.Ala211Gly (NM_001330454.2); c.134C>G, p.Ala45Gly (NM_024793.3); short protein forms A45G, A211G.
Identifiers: ClinVar variation 1977887 (VCV001977887.5), dbSNP rs971031494, ClinGen allele CA276934760.